The following is an entry in ClinVar:

NM_001991.5(EZH1):c.380C>T (p.Thr127Met)

Gene: EZH1 (enhancer of zeste 1 polycomb repressive complex 2 subunit; minus strand). Cytogenetic location: 17q21.2.
Variant type: single nucleotide variant.
Coding change: c.380C>T on transcript NM_001991.5 (MANE Select); coding-DNA position 380, C replaced by T.
Protein change: p.Thr127Met; replaces threonine 127 with methionine.
Molecular consequence: missense variant.
Genome position (GRCh38, 1-based): chr17:42,722,902, G>A on the plus strand (C>T on the coding strand, the complement: EZH1 is on the minus strand). VCF-style: chr17-42722902-G-A. GRCh37 (hg19) VCF-style: chr17-40874920-G-A.
Other names: c.398C>T, p.Thr133Met (NM_001321079.2); c.353C>T, p.Thr118Met (NM_001321081.2); c.260C>T, p.Thr87Met (NM_001321082.2); short protein forms T87M, T127M, T133M, T118M.
Identifiers: ClinVar variation 2284529 (VCV002284529.3), dbSNP rs756635466, ClinGen allele CA8582992.

ClinVar aggregate classification (germline): Uncertain significance (1 of 4 stars; one submission).

Allele frequency attached by ClinVar (database versions not stated): gnomAD exomes 0.00001; gnomAD 0.00003; ExAC 0.00001; TOPMed 0.00002.
gnomAD v4.1: 15 of 1,613,016 alleles (0.00093%); highest among the groups gnomAD compares: African/African-American, 0.008%; no homozygotes.

Submission:

Ambry Genetics
Classification: Uncertain significance. Last evaluated: 2026-04-11. Review status: criteria provided, single submitter. Criteria: Ambry Variant Classification Scheme 2023. Collection method: clinical testing. Allele origin: germline.
Comment: The c.380C>T (p.T127M) alteration is located in exon 6 (coding exon 4) of the EZH1 gene. This alteration results from a C to T substitution at nucleotide position 380, causing the threonine (T) at amino acid position 127 to be replaced by a methionine (M). Based on data from gnomAD, the T allele has an overall frequency of 0.001% (2/250330) total alleles studied. The highest observed frequency was 0.006% (1/16208) of African alleles. Based on insufficient or conflicting evidence, the clinical significance of this alteration remains unclear.